The following is an entry in ClinVar:

NM_000051.4(ATM):c.105A>G (p.Arg35=)

Gene: ATM (ATM serine/threonine kinase; plus strand). Cytogenetic location: 11q22.3.
Variant type: single nucleotide variant.
Coding change: c.105A>G on transcript NM_000051.4 (MANE Select); coding-DNA position 105, A replaced by G.
Protein change: p.Arg35=; no amino-acid change (arginine 35 retained).
Molecular consequence: synonymous variant.
Genome position (GRCh38, 1-based): chr11:108,227,808, A>G. VCF-style: chr11-108227808-A-G. GRCh37 (hg19) VCF-style: chr11-108098535-A-G.
Other names: c.105A>G, p.Arg35= (NM_001351834.2, NM_001351835.2, NM_001351836.2).
Identifiers: ClinVar variation 1983666 (VCV001983666.5), dbSNP rs1060504270, ClinGen allele CA476668005.

ClinVar aggregate classification (germline): Benign/Likely benign. Review status: criteria provided, multiple submitters, no conflicts (2 of 4 stars). 2 submissions from 2 submitters: Benign (1); Likely benign (1). Last evaluated 2024-04-17.

Conditions:
Familial cancer of breast. Also called: BREAST CANCER, FAMILIAL; hereditary breast carcinoma; Hereditary breast cancer. Identifiers: Orphanet 227535, MedGen C0346153, MONDO:0016419, OMIM 114480. Disease mechanism: loss of function.
Ataxia-telangiectasia syndrome (AT). Also called: Ataxia telangiectasia (A-T); Cerebello-oculocutaneous telangiectasia; Immunodeficiency with ataxia telangiectasia; Ataxia-telangiectasia, complementation group D; Ataxia-telangiectasia, complementation group E; LOUIS-BAR SYNDROME. Identifiers: Orphanet 100, MedGen C0004135, MONDO:0008840, OMIM 208900.

Submissions (2):

Myriad Genetics, Inc.
Classification: Benign for Familial cancer of breast. Last evaluated: 2024-04-17. Review status: criteria provided, single submitter. Criteria: Myriad Autosomal Dominant, Autosomal Recessive and X-Linked Classification Criteria (2023). Collection method: clinical testing. Allele origin: unknown.
Comment: This variant is considered benign. This variant is a silent/synonymous amino acid change and it is not expected to impact splicing.

Labcorp Genetics (formerly Invitae), Labcorp
Classification: Likely benign for Ataxia-telangiectasia syndrome. Last evaluated: 2023-08-16. Review status: criteria provided, single submitter. Criteria: Invitae Variant Classification Sherloc (09022015). Collection method: clinical testing. Allele origin: germline.